The following is an entry in ClinVar:

NC_000007.14:g.156792242T>C

Genes: LMBR1 (limb development membrane protein 1; minus strand), SHH (sonic hedgehog signaling molecule; minus strand), ZRS (ZPA regulatory sequence; plus strand). Cytogenetic location: 7q36.3.
Variant type: single nucleotide variant.
Molecular consequence: intron variant (on NM_022458.4).
Genome position: GRCh38 VCF-style: chr7-156792242-T-C. GRCh37 (hg19) VCF-style: chr7-156584936-T-C.
Other names: c.360+4147A>G (NM_001363412.2); c.144+4147A>G (NM_001350954.2); c.423+4147A>G (NM_001363410.2, NM_022458.4, NM_001363409.2 and 1 more transcripts); c.-112+4147A>G (NM_001350958.2, NM_001350956.2, NM_001350955.2 and 1 more transcripts); c.54+4147A>G (NM_001350957.2, NM_001363411.2).
Identifiers: ClinVar variation 3048216 (VCV003048216.2), dbSNP rs914388407, ClinGen allele CA169823545.
Genomic context (GRCh38, chr7:156,792,242, plus strand): 5'-TCATACAGCCAATCTGAGGTATGATAAGCACAGCAGTGATGGCTGCCTTAAGATGTTCCC[T>C]GAGCCCTAAGAGCCACATACTGCAGAAAAAGCAGGCTTACTGCAAAACAAAACAAAAATC-3'

ClinVar aggregate classification (germline): Uncertain significance (0 of 4 stars; one submission).

Conditions:
SHH-related disorder. Also called: SHH-related disorders; SHH-related condition.

Allele frequency attached by ClinVar (database versions not stated): gnomAD 0.00003; TOPMed 0.00003.
gnomAD v4.1: 4 of 152,166 alleles (0.0026%); highest among the groups gnomAD compares: African/African-American, 0.0072%; no homozygotes.

Submission:

PreventionGenetics, part of Exact Sciences
Classification: Uncertain significance for SHH-related condition. Last evaluated: 2023-10-30. Review status: no assertion criteria provided. Collection method: clinical testing. Allele origin: germline.
Comment: The SHH c.-980120A>G variant is located in the 5' untranslated region. To our knowledge, this variant has not been reported in the literature or in a large population database, indicating this variant is rare. At this time, the clinical significance of this variant is uncertain due to the absence of conclusive functional and genetic evidence.